The following is an entry in ClinVar:

NM_000218.3(KCNQ1):c.1127A>G (p.Gln376Arg)

Gene: KCNQ1 (potassium voltage-gated channel subfamily Q member 1; plus strand). Cytogenetic location: 11p15.5.
Variant type: single nucleotide variant.
Coding change: c.1127A>G on transcript NM_000218.3 (MANE Select); coding-DNA position 1127, A replaced by G.
Protein change: p.Gln376Arg; replaces glutamine 376 with arginine.
Molecular consequence: missense variant.
Genome position (GRCh38, 1-based): chr11:2,585,306, A>G. VCF-style: chr11-2585306-A-G. GRCh37 (hg19) VCF-style: chr11-2606536-A-G.
Other names: c.857A>G, p.Gln286Arg (NM_001406837.1); c.746A>G, p.Gln249Arg (NM_181798.2); short protein forms Q249R, Q376R, Q286R.
Identifiers: ClinVar variation 1384456 (VCV001384456.7), dbSNP rs2133754848, ClinGen allele CA379133983.
Genomic context (GRCh38, chr11:2,585,306, plus strand): 5'-AGCAGAAGCAGAGGCAGAAGCACTTCAACCGGCAGATCCCGGCGGCAGCCTCACTCATTC[A>G]GGTGCGGTGCCTGCAAGGCCCTGGTCACTGTCATTTTGGTCACTGTTATTGTTGCATCCA-3'
Protein context (NP_000209.2, residues 366-386): RQIPAAASLI[Gln376Arg]TAWRCYAAEN

ClinVar aggregate classification (germline): Uncertain significance (1 of 4 stars; one submission).

Conditions:
Long QT syndrome (LQTS). Identifiers: MedGen C0023976, MeSH D008133, MONDO:0002442. Disease mechanism: loss of function. Inheritance: Various modes of inheritance.

Submission:

Labcorp Genetics (formerly Invitae), Labcorp
Classification: Uncertain significance for Long QT syndrome. Last evaluated: 2023-01-19. Review status: criteria provided, single submitter. Criteria: Invitae Variant Classification Sherloc (09022015). Collection method: clinical testing. Allele origin: germline.
Comment: This variant is not present in population databases (gnomAD no frequency). In summary, the available evidence is currently insufficient to determine the role of this variant in disease. Therefore, it has been classified as a Variant of Uncertain Significance. Algorithms developed to predict the effect of sequence changes on RNA splicing suggest that this variant may disrupt the consensus splice site. Algorithms developed to predict the effect of missense changes on protein structure and function (SIFT, PolyPhen-2, Align-GVGD) all suggest that this variant is likely to be disruptive. ClinVar contains an entry for this variant (Variation ID: 1384456). This variant has not been reported in the literature in individuals affected with KCNQ1-related conditions. This sequence change replaces glutamine, which is neutral and polar, with arginine, which is basic and polar, at codon 376 of the KCNQ1 protein (p.Gln376Arg).